The following is an entry in ClinVar:

ClinVar aggregate classification (germline): Uncertain significance (1 of 4 stars; one submission).

gnomAD v4.1: 3 of 1,614,078 alleles (0.00019%); highest among the groups gnomAD compares: Admixed American, 0.005%; no homozygotes.

Submission:

Ambry Genetics
Classification: Uncertain significance. Last evaluated: 2025-10-25. Review status: criteria provided, single submitter. Criteria: Ambry Variant Classification Scheme 2023. Collection method: clinical testing. Allele origin: germline.
Comment: The p.P164T variant (also known as c.490C>A), located in coding exon 1 of the MLH3 gene, results from a C to A substitution at nucleotide position 490. The proline at codon 164 is replaced by threonine, an amino acid with highly similar properties. This amino acid position is conserved. In addition, the in silico prediction for this alteration is inconclusive. Based on the available evidence, the clinical significance of this variant remains unclear.

NM_001040108.2(MLH3):c.490C>A (p.Pro164Thr)

Gene: MLH3 (mutL homolog 3; minus strand). Cytogenetic location: 14q24.3.
Variant type: single nucleotide variant.
Coding change: c.490C>A on transcript NM_001040108.2 (MANE Select); coding-DNA position 490, C replaced by A.
Protein change: p.Pro164Thr; replaces proline 164 with threonine.
Molecular consequence: missense variant.
Genome position (GRCh38, 1-based): chr14:75,049,166, G>T on the plus strand (C>A on the coding strand, the complement: MLH3 is on the minus strand). VCF-style: chr14-75049166-G-T. GRCh37 (hg19) VCF-style: chr14-75515869-G-T.
Other names: c.490C>A, p.Pro164Thr (NM_014381.3); short protein forms P164T.
Identifiers: ClinVar variation 4552103 (VCV004552103.1).
Genomic context (GRCh38, chr14:75,049,166, plus strand): 5'-AAGGGTGCATGAGTGAGAGAGCTTCTATTCTCTGCCTAACCTTCTCAAACTCCAGTCTAG[G>T]GTCCATGCATTTCCTCCTTACAGGAAGCTGGTAAAATAGGTTATACACTGTTACAGTAGT-3'
Protein context (NP_001035197.1, residues 154-174): QLPVRRKCMD[Pro164Thr]RLEFEKVRQR